The following is an entry in ClinVar:

NM_005633.4(SOS1):c.38_46del (p.Glu13_Asn15del)

Genes: SOS1 (SOS Ras/Rac guanine nucleotide exchange factor 1; minus strand), LOC129933535 (ATAC-STARR-seq lymphoblastoid silent region 11384; plus strand). Cytogenetic location: 2p22.1.
Variant type: Deletion.
Coding change: c.38_46del on transcript NM_005633.4 (MANE Select); coding-DNA positions 38 to 46, 9 bases deleted (AAGAGAACG; older notation c.38_46delAAGAGAACG).
Protein change: p.Glu13_Asn15del.
Molecular consequence: inframe deletion. On other transcripts: intron variant (1), inframe indel (1).
Genome position (GRCh38, 1-based): chr2:39,120,377-39,120,385, CGTTCTCTT deleted on the plus strand (AAGAGAACG on the coding strand, the reverse complement: SOS1 is on the minus strand); deleting any 9 consecutive bases within chr2:39,120,377-39,120,387 gives the same sequence; the c. name uses the placement nearest the transcript's 3' end. VCF-style (leftmost placement, unchanged base first): chr2-39120376-GCGTTCTCTT-G. GRCh37 (hg19) VCF-style: chr2-39347517-GCGTTCTCTT-G.
Other names: c.38_46del, p.Glu13_Asn15del (NM_001382395.1); c.66+4279_66+4287del (NM_001382394.1); c.38_46delAAGAGAACG (NM_005633.3).
Identifiers: ClinVar variation 2573547 (VCV002573547.1), dbSNP rs2465606380, ClinGen allele CA2576945653.

ClinVar aggregate classification (germline): Uncertain significance (1 of 4 stars; one submission).

Submission:

Women's Health and Genetics/Laboratory Corporation of America, LabCorp
Classification: Uncertain significance. Last evaluated: 2023-06-26. Review status: criteria provided, single submitter. Criteria: LabCorp Variant Classification Summary - May 2015. Collection method: clinical testing. Allele origin: germline.
Comment: Variant summary: SOS1 c.38_46delAAGAGAACG (p.Glu13_Asn15del) results in an in-frame deletion that is predicted to remove 3 amino acids from the encoded protein. The variant was absent in 233452 control chromosomes (gnomAD). The available data on variant occurrences in the general population are insufficient to allow any conclusion about variant significance. To our knowledge, no occurrence of c.38_46delAAGAGAACG in individuals affected with Noonan Syndrome and no experimental evidence demonstrating its impact on protein function have been reported. No submitters have cited clinical-significance assessments for this variant to ClinVar after 2014. Based on the evidence outlined above, the variant was classified as uncertain significance.